The following is an entry in ClinVar:

ClinVar aggregate classification (germline): Likely benign. Review status: criteria provided, single submitter (1 of 4 stars). 2 submissions from 2 submitters: Likely benign (1). 1 of the submissions does not count toward it. Last evaluated 2024-10-16.

Conditions:
ZFHX4-related disorder. Also called: ZFHX4-related condition.

Allele frequency attached by ClinVar (database versions not stated): ExAC 0.00050; gnomAD exomes 0.00090; 1000 Genomes Project 30x 0.00531; gnomAD 0.00675.
gnomAD v4.1: 704 of 438,934 alleles (0.16%); highest among the groups gnomAD compares: African/African-American, 2.5%; 6 homozygotes.

Submissions (2):

Blueprint Genetics
Classification: Likely benign. Last evaluated: 2024-10-16. Review status: criteria provided, single submitter. Criteria: ACMG Guidelines, 2015. Collection method: clinical testing. Allele origin: germline.

PreventionGenetics, part of Exact Sciences
Classification: Benign for ZFHX4-related condition. Last evaluated: 2019-08-29. Review status: no assertion criteria provided. Collection method: clinical testing. Allele origin: germline. Not counted in ClinVar's aggregate classification.
Comment: This variant is classified as benign based on ACMG/AMP sequence variant interpretation guidelines (Richards et al. 2015 PMID: 25741868, with internal and published modifications).

NM_024721.5(ZFHX4):c.6147T>A (p.Pro2049=)

Gene: ZFHX4 (zinc finger homeobox 4; plus strand). Cytogenetic location: 8q21.13.
Variant type: single nucleotide variant.
Coding change: c.6147T>A on transcript NM_024721.5 (MANE Select); coding-DNA position 6147, T replaced by A.
Protein change: p.Pro2049=; no amino-acid change (proline 2049 retained).
Molecular consequence: synonymous variant.
Genome position (GRCh38, 1-based): chr8:76,853,068, T>A. VCF-style: chr8-76853068-T-A. GRCh37 (hg19) VCF-style: chr8-77765304-T-A.
Other names: c.6069T>A, p.Pro2023= (NM_001410934.1).
Identifiers: ClinVar variation 3053805 (VCV003053805.3), dbSNP rs779394582, ClinGen allele CA4787786.